The following is an entry in ClinVar:

ClinVar aggregate classification (germline): Likely benign (1 of 4 stars; one submission).

Allele frequency attached by ClinVar (database versions not stated): TOPMed 0.01062; 1000 Genomes Project 0.01098; 1000 Genomes Project 30x 0.01156.
gnomAD v4.1: 1,609 of 152,294 alleles (1.1%); highest among the groups gnomAD compares: African/African-American, 3.7%; 25 homozygotes.

Submission:

GeneDx
Classification: Likely benign. Last evaluated: 2018-06-16. Review status: criteria provided, single submitter. Criteria: GeneDx Variant Classification (06012015). Collection method: clinical testing. Allele origin: germline. Affected: yes.
Comment: This variant is considered likely benign or benign based on one or more of the following criteria: it is a conservative change, it occurs at a poorly conserved position in the protein, it is predicted to be benign by multiple in silico algorithms, and/or has population frequency not consistent with disease.

NM_005751.5(AKAP9):c.11417-311C>T

Gene: AKAP9 (A-kinase anchoring protein 9; plus strand). Cytogenetic location: 7q21.2.
Variant type: single nucleotide variant.
Coding change: c.11417-311C>T on transcript NM_005751.5 (MANE Select); 311 bases into the intron before coding-DNA position 11417, C replaced by T.
Molecular consequence: intron variant.
Genome position (GRCh38, 1-based): chr7:92,106,982, C>T. VCF-style: chr7-92106982-C-T. GRCh37 (hg19) VCF-style: chr7-91736296-C-T.
Other names: c.11393-311C>T (NM_147185.3); c.6062-311C>T (NM_001379277.1).
Identifiers: ClinVar variation 673491 (VCV000673491.1), dbSNP rs114151095, ClinGen allele CA161903772.